The following is an entry in ClinVar:

ClinVar aggregate classification (germline): Uncertain significance. Review status: criteria provided, multiple submitters, no conflicts (2 of 4 stars). 2 submissions from 2 submitters: Uncertain significance (2). Last evaluated 2023-08-04.

Conditions:
Isolated microphthalmia 5. Also called: Posterior Microphthalmia with Retinitis Pigmentosa, Foveoschisis, and Optic Disc Drusen. Identifiers: Orphanet 251279, MedGen C1970236, MONDO:0012605, OMIM 611040.

Allele frequency attached by ClinVar (database versions not stated): gnomAD 0.00009 and 0.00010; gnomAD exomes 0.00006 and 0.00003; TOPMed 0.00011; ExAC 0.00012; ESP Exome Variant Server 0.00008.
gnomAD v4.1: 49 of 1,589,538 alleles (0.0031%); highest among the groups gnomAD compares: East Asian, 0.016%; no homozygotes.

Submissions (2):

Labcorp Genetics (formerly Invitae), Labcorp
Classification: Uncertain significance for Isolated microphthalmia 5. Last evaluated: 2023-08-04. Review status: criteria provided, single submitter. Criteria: Invitae Variant Classification Sherloc (09022015). Collection method: clinical testing. Allele origin: germline.
Comment: In summary, the available evidence is currently insufficient to determine the role of this variant in disease. Therefore, it has been classified as a Variant of Uncertain Significance. Advanced modeling of protein sequence and biophysical properties (such as structural, functional, and spatial information, amino acid conservation, physicochemical variation, residue mobility, and thermodynamic stability) performed at Invitae indicates that this missense variant is not expected to disrupt MFRP protein function. ClinVar contains an entry for this variant (Variation ID: 1056414). This variant has not been reported in the literature in individuals affected with MFRP-related conditions. This variant is present in population databases (rs370918050, gnomAD 0.02%). This sequence change replaces arginine, which is basic and polar, with glutamine, which is neutral and polar, at codon 54 of the MFRP protein (p.Arg54Gln).

Blueprint Genetics
Classification: Uncertain significance. Last evaluated: 2023-05-03. Review status: criteria provided, single submitter. Criteria: ACMG Guidelines, 2015. Collection method: clinical testing. Allele origin: germline.

NM_031433.4(MFRP):c.161G>A (p.Arg54Gln)

Genes: C1QTNF5 (C1q and TNF related 5; minus strand), MFRP (membrane frizzled-related protein; minus strand). Cytogenetic location: 11q23.3.
Variant type: single nucleotide variant.
Coding change: c.161G>A on transcript NM_031433.4 (MANE Select); coding-DNA position 161, G replaced by A.
Protein change: p.Arg54Gln; replaces arginine 54 with glutamine.
Molecular consequence: missense variant. On other transcripts: 5 prime UTR variant (1).
Genome position (GRCh38, 1-based): chr11:119,346,156, C>T on the plus strand (G>A on the coding strand, the complement: MFRP is on the minus strand). VCF-style: chr11-119346156-C-T. GRCh37 (hg19) VCF-style: chr11-119216866-C-T.
Other names: c.-2476G>A (NM_015645.5); short protein forms R54Q.
Identifiers: ClinVar variation 1056414 (VCV001056414.7), dbSNP rs370918050, ClinGen allele CA6320678.